The following is an entry in ClinVar:

NM_138694.4(PKHD1):c.982C>T (p.Arg328Ter)

Gene: PKHD1 (PKHD1 ciliary IPT domain containing fibrocystin/polyductin; minus strand). Cytogenetic location: 6p12.2.
Variant type: single nucleotide variant.
Coding change: c.982C>T on transcript NM_138694.4 (MANE Select); coding-DNA position 982, C replaced by T.
Protein change: p.Arg328Ter; replaces arginine 328 with a stop codon.
Molecular consequence: nonsense.
Genome position (GRCh38, 1-based): chr6:52,062,655, G>A on the plus strand (C>T on the coding strand, the complement: PKHD1 is on the minus strand). VCF-style: chr6-52062655-G-A. GRCh37 (hg19) VCF-style: chr6-51927453-G-A.
Other names: c.982C>T, p.Arg328Ter (NM_170724.3); short protein forms R328*.
Identifiers: ClinVar variation 96445 (VCV000096445.32), dbSNP rs398124503, ClinGen allele CA224114.
Genomic context (GRCh38, chr6:52,062,655, plus strand): 5'-GGGTGGCTTCAGTCAGTTCCAGTCCCTCAACAGCATCTCCAACTTCAAAAAGAAGCCCTC[G>A]ATTGCCTGTAAGACATGTAGATCGCATAAACATTACAGGGCGCACCTTCCCAAATTGGGG-3'

ClinVar aggregate classification (germline): Pathogenic. Review status: criteria provided, multiple submitters, no conflicts (2 of 4 stars). 11 submissions from 10 submitters: Pathogenic (9). 2 of the submissions do not count toward it. Last evaluated 2025-12-08.

Conditions:
PKHD1-related disorder. Also called: PKHD1-related condition.
Polycystic kidney disease 4 (PKD4). Also called: POLYCYSTIC KIDNEY AND HEPATIC DISEASE 1; POLYCYSTIC KIDNEY DISEASE, INFANTILE, TYPE I; PKD3; Autosomal Recessive Polycystic Kidney Disease – PKHD1; POLYCYSTIC KIDNEY DISEASE 4 WITH OR WITHOUT POLYCYSTIC LIVER DISEASE. Identifiers: MedGen C4540575, MONDO:0033004, OMIM 263200.
Autosomal recessive polycystic kidney disease (ARPKD). Also called: AR polycystic kidney disease. Identifiers: Orphanet 731, Orphanet 8378, MedGen C0085548, MeSH D017044, MONDO:0009889.

Allele frequency attached by ClinVar (database versions not stated): ExAC 0.00004; TOPMed 0.00002; gnomAD exomes 0.00003; gnomAD 0.00001.
gnomAD v4.1: 22 of 1,613,952 alleles (0.0014%); highest among the groups gnomAD compares: African/African-American, 0.0027%; no homozygotes.

Submissions (11):

Natera, Inc.
Classification: Pathogenic for Autosomal recessive polycystic kidney disease. Last evaluated: 2025-12-08. Review status: criteria provided, single submitter. Criteria: Natera Variant Classification Schema (03/2026). Collection method: clinical testing. Allele origin: germline.
Comment: The c.982C>T variant in PKHD1 is a nonsense variant predicted to introduce a stop codon at amino acid 328. This variant is expected to result in nonsense mediated decay, truncation, or a dysfunctional protein product. This variant is rare in the general population with a frequency below the threshold expected for the associated phenotype(s). This variant has been observed in one or more individuals affected with the associated recessive disease, as either homozygous or compound heterozygous with a second variant (PMID: 32384486). Additionally, this variant has been observed to segregate in affected family members (PMID: 32384486). Given the available evidence, this variant is classified as Pathogenic.

GeneDx
Classification: Pathogenic. Last evaluated: 2025-02-05. Review status: criteria provided, single submitter. Criteria: GeneDx Variant Classification Process June 2021. Collection method: clinical testing. Allele origin: germline. Affected: yes.
Comment: Nonsense variant predicted to result in protein truncation or nonsense mediated decay in a gene for which loss of function is a known mechanism of disease; Not observed at significant frequency in large population cohorts (gnomAD); This variant is associated with the following publications: (PMID: 25525159, 35373060, 19940839, 32384486, 12506140)

Victorian Clinical Genetics Services, Murdoch Childrens Research Institute
Classification: Pathogenic for Polycystic kidney disease 4. Last evaluated: 2024-09-20. Review status: criteria provided, single submitter. Criteria: ACMG Guidelines, 2015. Collection method: clinical testing. Allele origin: germline. Inheritance: Autosomal recessive inheritance. Affected: yes.
Comment: Based on the classification scheme VCGS_Germline_v1.3.4, this variant is classified as Pathogenic. Following criteria are met: 0102 - Loss of function is a known mechanism of disease in this gene and is associated with polycystic kidney disease 4, with or without hepatic disease (MIM#263200). (I) 0106 - This gene is associated with autosomal recessive disease; however, there are emerging reports of heterozygous carriers of PKHD1 variants developing liver cysts and nephrocalcinosis (PMID: 21945273). (I) 0115 - Variants in this gene are known to have variable expressivity. Significant intrafamilial variability has been reported (PMID: 20301501). (I) 0201 - Variant is predicted to cause nonsense-mediated decay (NMD) and loss of protein (premature termination codon is located at least 54 nucleotides upstream of the final exon-exon junction). (SP) 0251 - This variant is heterozygous. (I) 0304 - Variant is present in gnomAD (v2) <0.01 for a recessive condition (7 heterozygotes, 0 homozygotes). (SP) 0701 - Many other NMD-predicted variants comparable to the one identified in this case have very strong previous evidence for pathogenicity (DECIPHER). (SP) 0801 - This variant has strong previous evidence of pathogenicity in unrelated individuals. This variant has been classified as pathogenic or likely pathogenic by multiple clinical laboratories in ClinVar, and has been observed in one homozygous individual with polycystic kidney disease (PMID: 12506140) and one individual with polycystic kidney disease in whom the zygosity is unclear (PMID: 35373060). (SP) 1208 - Inheritance information for this variant is not currently available in this individual. (I) Legend: (SP) - Supporting pathogenic, (I) - Information, (SB) - Supporting benign

Baylor Genetics
Classification: Pathogenic for Polycystic kidney disease 4. Last evaluated: 2024-01-18. Review status: criteria provided, single submitter. Criteria: ACMG Guidelines, 2015. Collection method: clinical testing. Allele origin: unknown.

Labcorp Genetics (formerly Invitae), Labcorp
Classification: Pathogenic for Autosomal recessive polycystic kidney disease. Last evaluated: 2023-12-10. Review status: criteria provided, single submitter. Criteria: Invitae Variant Classification Sherloc (09022015). Collection method: clinical testing. Allele origin: germline.
Comment: This sequence change creates a premature translational stop signal (p.Arg328*) in the PKHD1 gene. It is expected to result in an absent or disrupted protein product. Loss-of-function variants in PKHD1 are known to be pathogenic (PMID: 19940839). This variant is present in population databases (rs398124503, gnomAD 0.01%). This premature translational stop signal has been observed in individuals with polycystic kidney disease (PMID: 12506140, 19940839). ClinVar contains an entry for this variant (Variation ID: 96445). Algorithms developed to predict the effect of sequence changes on RNA splicing suggest that this variant may disrupt the consensus splice site. For these reasons, this variant has been classified as Pathogenic.

Women's Health and Genetics/Laboratory Corporation of America, LabCorp
Classification: Pathogenic for Autosomal recessive polycystic kidney disease. Last evaluated: 2021-09-18. Review status: criteria provided, single submitter. Criteria: LabCorp Variant Classification Summary - May 2015. Collection method: clinical testing. Allele origin: germline.
Comment: Variant summary: PKHD1 c.982C>T (p.Arg328X) results in a premature termination codon, predicted to cause a truncation of the encoded protein or absence of the protein due to nonsense mediated decay, which are commonly known mechanisms for disease. Truncations downstream of this position have been classified as pathogenic by our laboratory. The variant allele was found at a frequency of 2.8e-05 in 251214 control chromosomes. c.982C>T has been reported in the literature in multiple individuals affected with Polycystic Kidney And Hepatic Disease (example, Bergmann_2003, Denamur_2010, Jung_2020). These data indicate that the variant is very likely to be associated with disease. To our knowledge, no experimental evidence demonstrating an impact on protein function has been reported. Three clinical diagnostic laboratories have submitted clinical-significance assessments for this variant to ClinVar after 2014 without evidence for independent evaluation. All laboratories classified the variant as pathogenic/likely pathogenic. Based on the evidence outlined above, the variant was classified as pathogenic.

Genome-Nilou Lab
Classification: Pathogenic for Polycystic kidney disease 4. Last evaluated: 2021-07-22. Review status: criteria provided, single submitter. Criteria: ACMG Guidelines, 2015. Collection method: clinical testing. Allele origin: germline. Affected: no.

Eurofins Ntd Llc (ga)
Classification: Pathogenic. Last evaluated: 2013-09-06. Review status: criteria provided, single submitter. Criteria: EGL Classification Definitions. Collection method: clinical testing. Allele origin: germline. Observed: 1 variant allele, 1 heterozygote.

Baylor Genetics
Classification: Pathogenic for Polycystic kidney disease 4. Review status: criteria provided, single submitter. Criteria: ACMG Guidelines, 2015. Collection method: clinical testing. Allele origin: germline.

PreventionGenetics, part of Exact Sciences
Classification: Pathogenic for PKHD1-related condition. Last evaluated: 2024-07-18. Review status: no assertion criteria provided. Collection method: clinical testing. Allele origin: germline. Not counted in ClinVar's aggregate classification.
Comment: The PKHD1 c.982C>T variant is predicted to result in premature protein termination (p.Arg328*). This variant has been reported to be causative for autosomal recessive polycystic kidney disease (ARPKD) (Bergmann et al. 2003. PubMed ID: 12506140; Jung et al. 2020. PubMed ID: 32384486). This variant is reported in 0.012% of alleles in individuals of African descent in gnomAD. Nonsense variants in PKHD1 are expected to be pathogenic. Taken together, this variant is interpreted as pathogenic.

Counsyl
Classification: Likely pathogenic for Polycystic kidney disease 4. Last evaluated: 2016-01-06. Review status: no assertion criteria provided. Collection method: clinical testing. Allele origin: unknown. Not counted in ClinVar's aggregate classification.

Literature cited by the submitters: PubMed 32384486 (cited by Natera, Inc. and Women's Health and Genetics/Laboratory Corporation of America, LabCorp); PubMed 12506140 (cited by 4 submitters); PubMed 20301501 (cited by Victorian Clinical Genetics Services, Murdoch Childrens Research Institute); PubMed 21945273 (cited by Victorian Clinical Genetics Services, Murdoch Childrens Research Institute); PubMed 35373060 (cited by Victorian Clinical Genetics Services, Murdoch Childrens Research Institute); PubMed 19940839 (cited by 3 submitters); PubMed 15805161 (cited by Women's Health and Genetics/Laboratory Corporation of America, LabCorp); PubMed 25525159 (cited by Counsyl).